The following is an entry in ClinVar:

ClinVar aggregate classification (germline): Uncertain significance (1 of 4 stars; one submission).

Conditions:
Nemaline myopathy 6 (NEM6). Also called: Nemaline myopathy 6, autosomal dominant. Identifiers: Orphanet 171439, MedGen C1836472, MONDO:0012237, OMIM 609273.

Allele frequency attached by ClinVar (database versions not stated): gnomAD exomes below 0.00001; TOPMed below 0.00001; gnomAD 0.00001.

Submission:

Labcorp Genetics (formerly Invitae), Labcorp
Classification: Uncertain significance for Nemaline myopathy 6. Last evaluated: 2021-01-15. Review status: criteria provided, single submitter. Criteria: Invitae Variant Classification Sherloc (09022015). Collection method: clinical testing. Allele origin: germline.
Comment: This sequence change replaces valine with methionine at codon 397 of the KBTBD13 protein (p.Val397Met). The valine residue is moderately conserved and there is a small physicochemical difference between valine and methionine. This variant is not present in population databases (ExAC no frequency). This variant has not been reported in the literature in individuals with KBTBD13-related conditions. Algorithms developed to predict the effect of missense changes on protein structure and function (SIFT, PolyPhen-2, Align-GVGD) all suggest that this variant is likely to be tolerated, but these predictions have not been confirmed by published functional studies and their clinical significance is uncertain. In summary, the available evidence is currently insufficient to determine the role of this variant in disease. Therefore, it has been classified as a Variant of Uncertain Significance.

NM_001101362.3(KBTBD13):c.1189G>A (p.Val397Met)

Gene: KBTBD13 (kelch repeat and BTB domain containing 13; plus strand). Cytogenetic location: 15q22.31.
Variant type: single nucleotide variant.
Coding change: c.1189G>A on transcript NM_001101362.3 (MANE Select); coding-DNA position 1189, G replaced by A.
Protein change: p.Val397Met; replaces valine 397 with methionine.
Molecular consequence: missense variant.
Genome position (GRCh38, 1-based): chr15:65,078,004, G>A. VCF-style: chr15-65078004-G-A. GRCh37 (hg19) VCF-style: chr15-65370342-G-A.
Other names: short protein forms V397M.
Identifiers: ClinVar variation 1461928 (VCV001461928.8), dbSNP rs1299910198, ClinGen allele CA392865787.